The following is an entry in ClinVar:

ClinVar aggregate classification (germline): Pathogenic (1 of 4 stars; one submission).

Conditions:
Bardet-Biedl syndrome (BBS). Identifiers: Orphanet 110, MedGen C0752166, MONDO:0015229.

Submission:

Labcorp Genetics (formerly Invitae), Labcorp
Classification: Pathogenic for Bardet-Biedl syndrome. Last evaluated: 2024-06-26. Review status: criteria provided, single submitter. Criteria: Invitae Variant Classification Sherloc (09022015). Collection method: clinical testing. Allele origin: germline.
Comment: This sequence change creates a premature translational stop signal (p.Gly62Valfs*7) in the BBS1 gene. It is expected to result in an absent or disrupted protein product. Loss-of-function variants in BBS1 are known to be pathogenic (PMID: 12118255, 21520335, 27032803). This variant is present in population databases (rs755090554, gnomAD 0.003%). This variant has not been reported in the literature in individuals affected with BBS1-related conditions. For these reasons, this variant has been classified as Pathogenic.

Literature cited by the submitters: PubMed 12118255; PubMed 21520335; PubMed 27032803.

NM_024649.5(BBS1):c.185del (p.Gly62fs)

Gene: BBS1 (Bardet-Biedl syndrome 1; plus strand). Cytogenetic location: 11q13.2.
Variant type: Deletion.
Coding change: c.185del on transcript NM_024649.5 (MANE Select); coding-DNA position 185, one base deleted (G; older notation c.185delG).
Protein change: p.Gly62fs; shifts the reading frame from glycine 62.
Molecular consequence: frameshift variant.
Genome position (GRCh38, 1-based): chr11:66,514,431, G deleted; the last of 2 consecutive G bases (chr11:66,514,430-66,514,431); deleting either gives the same sequence. VCF-style (leftmost placement, unchanged base first): chr11-66514429-TG-T. GRCh37 (hg19) VCF-style: chr11-66281900-TG-T.
Other names: short protein forms G62fs.
Identifiers: ClinVar variation 3657979 (VCV003657979.2).